The following is an entry in ClinVar:

NM_139076.3(ABRAXAS1):c.883C>T (p.His295Tyr)

Gene: ABRAXAS1 (abraxas 1, BRCA1 A complex subunit; minus strand). Cytogenetic location: 4q21.23.
Variant type: single nucleotide variant.
Coding change: c.883C>T on transcript NM_139076.3 (MANE Select); coding-DNA position 883, C replaced by T.
Protein change: p.His295Tyr; replaces histidine 295 with tyrosine.
Molecular consequence: missense variant.
Genome position (GRCh38, 1-based): chr4:83,462,816, G>A on the plus strand (C>T on the coding strand, the complement: ABRAXAS1 is on the minus strand). VCF-style: chr4-83462816-G-A. GRCh37 (hg19) VCF-style: chr4-84383969-G-A.
Other names: c.556C>T, p.His186Tyr (NM_001345962.2); short protein forms H186Y, H295Y.
Identifiers: ClinVar variation 3446395 (VCV003446395.1).

ClinVar aggregate classification (germline): Uncertain significance (1 of 4 stars; one submission).

Submission:

Ambry Genetics
Classification: Uncertain significance. Last evaluated: 2024-08-06. Review status: criteria provided, single submitter. Criteria: Ambry Variant Classification Scheme 2023. Collection method: clinical testing. Allele origin: germline.
Comment: The p.H295Y variant (also known as c.883C>T), located in coding exon 9 of the FAM175A gene, results from a C to T substitution at nucleotide position 883. The histidine at codon 295 is replaced by tyrosine, an amino acid with similar properties. This amino acid position is conserved. In addition, this alteration is predicted to be tolerated by in silico analysis. Based on the available evidence, the clinical significance of this variant remains unclear.